The following is an entry in ClinVar:

NM_000334.4(SCN4A):c.612-7T>A

Gene: SCN4A (sodium voltage-gated channel alpha subunit 4; minus strand). Cytogenetic location: 17q23.3.
Variant type: single nucleotide variant.
Coding change: c.612-7T>A on transcript NM_000334.4 (MANE Select); 7 bases into the intron before coding-DNA position 612, T replaced by A.
Molecular consequence: intron variant.
Genome position (GRCh38, 1-based): chr17:63,971,260, A>T on the plus strand (T>A on the coding strand, the complement: SCN4A is on the minus strand). VCF-style: chr17-63971260-A-T. GRCh37 (hg19) VCF-style: chr17-62048620-A-T.
Identifiers: ClinVar variation 3041638 (VCV003041638.2), dbSNP rs1279854411, ClinGen allele CA985437686.

ClinVar aggregate classification (germline): Likely benign (0 of 4 stars; one submission).

Conditions:
SCN4A-related disorder. Also called: SCN4A-related disorders.

Submission:

PreventionGenetics, part of Exact Sciences
Classification: Likely benign for SCN4A-related condition. Last evaluated: 2021-11-23. Review status: no assertion criteria provided. Collection method: clinical testing. Allele origin: germline.
Comment: This variant is classified as likely benign based on ACMG/AMP sequence variant interpretation guidelines (Richards et al. 2015 PMID: 25741868, with internal and published modifications).